The following is an entry in ClinVar:

NM_006006.6(ZBTB16):c.1398C>T (p.Cys466=)

Gene: ZBTB16 (zinc finger and BTB domain containing 16; plus strand). Cytogenetic location: 11q23.2.
Variant type: single nucleotide variant.
Coding change: c.1398C>T on transcript NM_006006.6 (MANE Select); coding-DNA position 1398, C replaced by T.
Protein change: p.Cys466=; no amino-acid change (cysteine 466 retained).
Molecular consequence: synonymous variant. On other transcripts: intron variant (1).
Genome position (GRCh38, 1-based): chr11:114,186,983, C>T. VCF-style: chr11-114186983-C-T. GRCh37 (hg19) VCF-style: chr11-114057705-C-T.
Other names: c.1398C>T, p.Cys466= (NM_001018011.3, NM_001354750.2, NM_001354751.2); c.1366+30549C>T (NM_001354752.1).
Identifiers: ClinVar variation 3053610 (VCV003053610.2), dbSNP rs116547293, ClinGen allele CA6285233.

ClinVar aggregate classification (germline): Likely benign (0 of 4 stars; one submission).

Conditions:
ZBTB16-related disorder. Also called: ZBTB16-related condition.

Allele frequency attached by ClinVar (database versions not stated): gnomAD 0.00003; gnomAD exomes 0.00003; ExAC 0.00004; TOPMed 0.00004; 1000 Genomes Project 30x 0.00031; 1000 Genomes Project 0.00040.
gnomAD v4.1: 53 of 1,614,048 alleles (0.0033%); highest among the groups gnomAD compares: Middle Eastern, 0.033%; no homozygotes.

Submission:

PreventionGenetics, part of Exact Sciences
Classification: Likely benign for ZBTB16-related condition. Last evaluated: 2019-08-28. Review status: no assertion criteria provided. Collection method: clinical testing. Allele origin: germline.
Comment: This variant is classified as likely benign based on ACMG/AMP sequence variant interpretation guidelines (Richards et al. 2015 PMID: 25741868, with internal and published modifications).